The following is an entry in ClinVar:

NM_001267550.2(TTN):c.90705T>G (p.Asp30235Glu)

Genes: TTN (titin; minus strand), TTN-AS1 (TTN antisense RNA 1; plus strand). Cytogenetic location: 2q31.2.
Variant type: single nucleotide variant.
Coding change: c.90705T>G on transcript NM_001267550.2 (MANE Select); coding-DNA position 90705, T replaced by G.
Protein change: p.Asp30235Glu; replaces aspartic acid 30235 with glutamic acid.
Molecular consequence: missense variant.
Genome position (GRCh38, 1-based): chr2:178,552,195, A>C on the plus strand (T>G on the coding strand, the complement: TTN is on the minus strand). VCF-style: chr2-178552195-A-C. GRCh37 (hg19) VCF-style: chr2-179416922-A-C.
Other names: c.85782T>G, p.Asp28594Glu (NM_001256850.1); c.63510T>G, p.Asp21170Glu (NM_003319.4); c.83001T>G, p.Asp27667Glu (NM_133378.4); c.63885T>G, p.Asp21295Glu (NM_133432.3); c.64086T>G, p.Asp21362Glu (NM_133437.4); short protein forms D21170E, D21295E, D21362E, D27667E, D28594E, D30235E.
Identifiers: ClinVar variation 4682274 (VCV004682274.1).

ClinVar aggregate classification (germline): Uncertain significance (1 of 4 stars; one submission).

gnomAD v4.1: 6 of 1,613,650 alleles (0.00037%); highest among the groups gnomAD compares: Admixed American, 0.0017%; no homozygotes.

Submission:

Athena Diagnostics
Classification: Uncertain significance. Last evaluated: 2025-06-03. Review status: criteria provided, single submitter. Criteria: Athena Diagnostics Criteria. Collection method: clinical testing. Allele origin: unknown.
Comment: Available data are insufficient to determine the clinical significance of the variant at this time. The frequency of this variant in the general population is uninformative in assessment of its pathogenicity. Polyphen and MutationTaster predict this amino acid change may be benign.